The following is an entry in ClinVar:

NM_018196.4(TMLHE):c.236A>G (p.His79Arg)

Gene: TMLHE (trimethyllysine hydroxylase, epsilon; minus strand). Cytogenetic location: Xq28.
Variant type: single nucleotide variant.
Coding change: c.236A>G on transcript NM_018196.4 (MANE Select); coding-DNA position 236, A replaced by G.
Protein change: p.His79Arg; replaces histidine 79 with arginine.
Molecular consequence: missense variant.
Genome position (GRCh38, 1-based): chrX:155,524,578, T>C on the plus strand (A>G on the coding strand, the complement: TMLHE is on the minus strand). VCF-style: chrX-155524578-T-C. GRCh37 (hg19) VCF-style: chrX-154754239-T-C.
Other names: c.236A>G, p.His79Arg (NM_001184797.2); short protein forms H79R.
Identifiers: ClinVar variation 4985287 (VCV004985287.1).

ClinVar aggregate classification (germline): Uncertain significance (1 of 4 stars; one submission).

Conditions:
TMLHE-related disorder. Also called: TMLHE-related condition.

gnomAD v4.1: 4 of 1,204,423 alleles (0.00033%); highest among the groups gnomAD compares: Admixed American, 0.0022%; no homozygotes.

Submission:

PreventionGenetics, part of Exact Sciences
Classification: Uncertain significance for TMLHE-related condition. Last evaluated: 2026-08-18. Review status: criteria provided, single submitter. Criteria: ACMG Guidelines, 2015. Collection method: clinical testing. Allele origin: germline.
Comment: The TMLHE c.236A>G variant is predicted to result in the amino acid substitution p.His79Arg. To our knowledge, this variant has not been reported in the literature or in a large population database (gnomAD), indicating this variant is rare. At this time, the clinical significance of this variant is uncertain due to the absence of conclusive functional and genetic evidence.